The following is an entry in ClinVar:

ClinVar aggregate classification (germline): Uncertain significance (1 of 4 stars; one submission).

Conditions:
Perlman syndrome (PRLMNS). Identifiers: Orphanet 2849, MedGen C0796113, MONDO:0009965, OMIM 267000.

Allele frequency attached by ClinVar (database versions not stated): gnomAD exomes 0.00006 and 0.00003; TOPMed 0.00009; 1000 Genomes Project 30x 0.00016; gnomAD 0.00004 and 0.00001; ExAC 0.00009; 1000 Genomes Project 0.00020.
gnomAD v4.1: 47 of 1,556,766 alleles (0.003%); highest among the groups gnomAD compares: East Asian, 0.078%; no homozygotes.

Submission:

Sema4
Classification: Uncertain significance for Perlman syndrome. Last evaluated: 2021-11-17. Review status: criteria provided, single submitter. Criteria: Sema4 Curation Guidelines. Collection method: curation. Allele origin: germline.
Comment: The DIS3L2 c.1733A>G (p.Q578R) variant has not been reported in the literature to our knowledge. It was observed in 9/12946 chromosomes of the East Asian subpopulation in the large and broad cohorts of the Genome Aggregation Database (PMID: 32461654). The variant has not been reported in ClinVar. In silico tools suggest the impact of the variant on protein function is benign, though these predictions have not been confirmed by functional studies. The evidence is insufficient to meet ACMG/AMP criteria for classifying the variant as benign or pathogenic. Thus, the clinical significance of this variant is currently uncertain.

NM_001257281.2(DIS3L2):c.1733A>G (p.Gln578Arg)

Gene: DIS3L2 (DIS3 like 3'-5' exoribonuclease 2; plus strand). Cytogenetic location: 2q37.1.
Variant type: single nucleotide variant.
Coding change: c.1733A>G on transcript NM_001257281.2; coding-DNA position 1733, A replaced by G.
Protein change: p.Gln578Arg; replaces glutamine 578 with arginine.
Molecular consequence: missense variant.
Genome position (GRCh38, 1-based): chr2:232,343,496, A>G. VCF-style: chr2-232343496-A-G. GRCh37 (hg19) VCF-style: chr2-233208206-A-G.
Other names: short protein forms Q578R.
Identifiers: ClinVar variation 1692605 (VCV001692605.1), dbSNP rs527819023, ClinGen allele CA2164756.